The following is an entry in ClinVar:

ClinVar aggregate classification (germline): Uncertain significance (1 of 4 stars; one submission).

Submission:

Greenwood Genetic Center Diagnostic Laboratories, Greenwood Genetic Center
Classification: Uncertain significance. Last evaluated: 2023-04-20. Review status: criteria provided, single submitter. Criteria: ACMG Guidelines, 2015. Collection method: clinical testing. Allele origin: germline. Affected: yes.
Comment: Gene of Uncertain Significance

NM_199000.3(LHFPL3):c.223C>T (p.Leu75Phe)

Gene: LHFPL3 (LHFPL tetraspan subfamily member 3; plus strand). Cytogenetic location: 7q22.2.
Variant type: single nucleotide variant.
Coding change: c.223C>T on transcript NM_199000.3 (MANE Select); coding-DNA position 223, C replaced by T.
Protein change: p.Leu75Phe; replaces leucine 75 with phenylalanine.
Molecular consequence: missense variant.
Genome position (GRCh38, 1-based): chr7:104,329,002, C>T. VCF-style: chr7-104329002-C-T. GRCh37 (hg19) VCF-style: chr7-103969450-C-T.
Other names: c.223C>T, p.Leu75Phe (NM_001386065.1); short protein forms L75F.
Identifiers: ClinVar variation 2572357 (VCV002572357.1), dbSNP rs2484768630, ClinGen allele CA368778999.